The following is an entry in ClinVar:

NM_199420.4(POLQ):c.2548G>A (p.Glu850Lys)

Gene: POLQ (DNA polymerase theta; minus strand). Cytogenetic location: 3q13.33.
Variant type: single nucleotide variant.
Coding change: c.2548G>A on transcript NM_199420.4 (MANE Select); coding-DNA position 2548, G replaced by A.
Protein change: p.Glu850Lys; replaces glutamic acid 850 with lysine.
Molecular consequence: missense variant.
Genome position (GRCh38, 1-based): chr3:121,490,383, C>T on the plus strand (G>A on the coding strand, the complement: POLQ is on the minus strand). VCF-style: chr3-121490383-C-T. GRCh37 (hg19) VCF-style: chr3-121209230-C-T.
Other names: short protein forms E850K.
Identifiers: ClinVar variation 1792902 (VCV001792902.2), dbSNP rs2048058018, ClinGen allele CA354105942.

ClinVar aggregate classification (germline): Uncertain significance (1 of 4 stars; one submission).

Submission:

Ambry Genetics
Classification: Uncertain significance. Last evaluated: 2022-02-15. Review status: criteria provided, single submitter. Criteria: Ambry Variant Classification Scheme 2023. Collection method: clinical testing. Allele origin: germline.
Comment: The p.E850K variant (also known as c.2548G>A), located in coding exon 16 of the POLQ gene, results from a G to A substitution at nucleotide position 2548. The glutamic acid at codon 850 is replaced by lysine, an amino acid with similar properties. This amino acid position is conserved. In addition, this alteration is predicted to be tolerated by in silico analysis. Since supporting evidence is limited at this time, the clinical significance of this alteration remains unclear.